The following is an entry in ClinVar:

ClinVar aggregate classification (germline): Benign/Likely benign. Review status: criteria provided, multiple submitters, no conflicts (2 of 4 stars). 4 submissions from 2 submitters: Benign (2); Likely benign (2). Last evaluated 2018-01-12.

Conditions:
Newfoundland cone-rod dystrophy. Identifiers: MedGen C1843815, MONDO:0011839, OMIM 607476.
Retinitis pigmentosa (RP). Identifiers: Orphanet 791, MedGen C0035334, MeSH D012174, MONDO:0019200, OMIM 268000. Inheritance: Autosomal dominant, autosomal recessive and X linked inheritance.
Pigmentary retinal dystrophy. Also called: Fundus albipunctatus. Identifiers: Orphanet 227796, Orphanet 52427, MedGen C0311338, MONDO:0007639, OMIM 136880, HP:0030642.

Allele frequency attached by ClinVar (database versions not stated): gnomAD exomes 0.00381; ESP Exome Variant Server 0.02304; gnomAD 0.02392 and 0.02517; TOPMed 0.02795; 1000 Genomes Project 0.02955; 1000 Genomes Project 30x 0.02983.

Submissions (4):

Illumina Laboratory Services, Illumina
Classification: Benign for Newfoundland cone-rod dystrophy. Last evaluated: 2018-01-12. Review status: criteria provided, single submitter. Criteria: ICSL Variant Classification Criteria 13 December 2019. Collection method: clinical testing. Allele origin: germline.
Comment: This variant was observed in the ICSL laboratory as part of a predisposition screen in an ostensibly healthy population. It had not been previously curated by ICSL or reported in the Human Gene Mutation Database (HGMD: prior to June 1st, 2018), and was therefore a candidate for classification through an automated scoring system. Utilizing variant allele frequency, disease prevalence and penetrance estimates, and inheritance mode, an automated score was calculated to assess if this variant is too frequent to cause the disease. Based on the score and internal cut-off values, a variant classified as benign is not then subjected to further curation. The score for this variant resulted in a classification of benign for this disease.

Illumina Laboratory Services, Illumina
Classification: Likely benign for Retinitis pigmentosa. Last evaluated: 2018-01-12. Review status: criteria provided, single submitter. Criteria: ICSL Variant Classification Criteria 13 December 2019. Collection method: clinical testing. Allele origin: germline.
Comment: This variant was observed in the ICSL laboratory as part of a predisposition screen in an ostensibly healthy population. It had not been previously curated by ICSL or reported in the Human Gene Mutation Database (HGMD: prior to June 1st, 2018), and was therefore a candidate for classification through an automated scoring system. Utilizing variant allele frequency, disease prevalence and penetrance estimates, and inheritance mode, an automated score was calculated to assess if this variant is too frequent to cause the disease. Based on the score and internal cut-off values, a variant classified as likely benign is not then subjected to further curation. The score for this variant resulted in a classification of likely benign for this disease.

Illumina Laboratory Services, Illumina
Classification: Benign for Pigmentary retinal dystrophy. Last evaluated: 2018-01-12. Review status: criteria provided, single submitter. Criteria: ICSL Variant Classification Criteria 13 December 2019. Collection method: clinical testing. Allele origin: germline.
Comment: the same text as in the submission from Illumina Laboratory Services, Illumina above.

Breakthrough Genomics
Classification: Likely benign. Review status: criteria provided, single submitter. Criteria: ACMG Guidelines, 2015. Collection method: not provided. Allele origin: germline. Inheritance: Autosomal recessive inheritance. Affected: yes.

NM_000326.5(RLBP1):c.-70G>A

Gene: RLBP1 (retinaldehyde binding protein 1; minus strand). Cytogenetic location: 15q26.1.
Variant type: single nucleotide variant.
Coding change: c.-70G>A on transcript NM_000326.5 (MANE Select); 70 bases upstream of the start codon, G replaced by A.
Molecular consequence: 5 prime UTR variant.
Genome position (GRCh38, 1-based): chr15:89,219,045, C>T on the plus strand (G>A on the coding strand, the complement: RLBP1 is on the minus strand). VCF-style: chr15-89219045-C-T. GRCh37 (hg19) VCF-style: chr15-89762276-C-T.
Identifiers: ClinVar variation 317245 (VCV000317245.6), dbSNP rs3743384, ClinGen allele CA10636616.